The following is an entry in ClinVar:

ClinVar aggregate classification (germline): Uncertain significance. Review status: criteria provided, multiple submitters, no conflicts (2 of 4 stars). 2 submissions from 2 submitters: Uncertain significance (2). Last evaluated 2026-02-28.

Conditions:
Hereditary cancer-predisposing syndrome. Also called: Tumor predisposition; Hereditary Cancer Syndrome; Hereditary neoplastic syndrome; Neoplastic Syndromes, Hereditary. Identifiers: Orphanet 140162, MedGen C0027672, MeSH D009386, MONDO:0015356.
Basal cell carcinoma, susceptibility to, 1. Also called: BCC1. Identifiers: MedGen C2751544, MONDO:0011556, OMIM 605462.

Submissions (2):

Ambry Genetics
Classification: Uncertain significance for Hereditary cancer-predisposing syndrome. Last evaluated: 2026-02-28. Review status: criteria provided, single submitter. Criteria: Ambry Variant Classification Scheme 2023. Collection method: clinical testing. Allele origin: germline.
Comment: The p.S701N variant (also known as c.2102G>A), located in coding exon 14 of the PTCH1 gene, results from a G to A substitution at nucleotide position 2102. The serine at codon 701 is replaced by asparagine, an amino acid with highly similar properties. This amino acid position is conserved. In addition, this alteration is predicted to be tolerated by in silico analysis. Based on the available evidence, the clinical significance of this variant remains unclear.

Baylor Genetics
Classification: Uncertain significance for Basal cell carcinoma, susceptibility to, 1. Last evaluated: 2023-06-04. Review status: criteria provided, single submitter. Criteria: ACMG Guidelines, 2015. Collection method: clinical testing. Allele origin: unknown.

NM_000264.5(PTCH1):c.2102G>A (p.Ser701Asn)

Genes: PTCH1 (patched 1; minus strand), LOC100507346 (uncharacterized LOC100507346; plus strand). Cytogenetic location: 9q22.32.
Variant type: single nucleotide variant.
Coding change: c.2102G>A on transcript NM_000264.5 (MANE Select); coding-DNA position 2102, G replaced by A.
Protein change: p.Ser701Asn; replaces serine 701 with asparagine.
Molecular consequence: missense variant. On other transcripts: non-coding transcript variant (2).
Genome position (GRCh38, 1-based): chr9:95,468,899, C>T on the plus strand (G>A on the coding strand, the complement: PTCH1 is on the minus strand). VCF-style: chr9-95468899-C-T. GRCh37 (hg19) VCF-style: chr9-98231181-C-T.
Other names: c.1904G>A, p.Ser635Asn (NM_001083602.3); c.2099G>A, p.Ser700Asn (NM_001083603.3); c.1649G>A, p.Ser550Asn (NM_001083604.3, NM_001083605.3, NM_001083606.3 and 1 more transcripts); c.1946G>A, p.Ser649Asn (NM_001354918.2); short protein forms S550N, S635N, S649N, S700N, S701N.
Identifiers: ClinVar variation 2678087 (VCV002678087.2), dbSNP rs775235892, ClinGen allele CA374115653.